The following is an entry in ClinVar:

ClinVar aggregate classification (germline): Uncertain significance (1 of 4 stars; one submission).

Conditions:
Osteogenesis imperfecta type I (OI1). Also called: OI, TYPE I; OSTEOGENESIS IMPERFECTA TARDA; OSTEOGENESIS IMPERFECTA WITH BLUE SCLERAE; Lobstein's Disease; Osteogenesis imperfecta type 1; Classic Non-deforming Osteogenesis Imperfecta with Blue Sclerae. Identifiers: Orphanet 216796, Orphanet 666, MedGen C0023931, MONDO:0008146, OMIM 166200. Disease mechanism: loss of function.

gnomAD v4.1: 4 of 1,613,234 alleles (0.00025%); highest among the groups gnomAD compares: Non-Finnish European, 0.00034%; no homozygotes.

Submission:

Labcorp Genetics (formerly Invitae), Labcorp
Classification: Uncertain significance for Osteogenesis imperfecta type I. Last evaluated: 2025-10-15. Review status: criteria provided, single submitter. Criteria: Invitae Variant Classification Sherloc (09022015). Collection method: clinical testing. Allele origin: germline.
Comment: This sequence change replaces serine, which is neutral and polar, with proline, which is neutral and non-polar, at codon 418 of the COL1A1 protein (p.Ser418Pro). This variant is not present in population databases (gnomAD no frequency). This variant has not been reported in the literature in individuals affected with COL1A1-related conditions. Invitae Evidence Modeling of protein sequence and biophysical properties (such as structural, functional, and spatial information, amino acid conservation, physicochemical variation, residue mobility, and thermodynamic stability) indicates that this missense variant is not expected to disrupt COL1A1 protein function with a negative predictive value of 95%. In summary, the available evidence is currently insufficient to determine the role of this variant in disease. Therefore, it has been classified as a Variant of Uncertain Significance.

NM_000088.4(COL1A1):c.1252T>C (p.Ser418Pro)

Gene: COL1A1 (collagen type I alpha 1 chain; minus strand). Cytogenetic location: 17q21.33.
Variant type: single nucleotide variant.
Coding change: c.1252T>C on transcript NM_000088.4 (MANE Select); coding-DNA position 1252, T replaced by C.
Protein change: p.Ser418Pro; replaces serine 418 with proline.
Molecular consequence: missense variant.
Genome position (GRCh38, 1-based): chr17:50,195,279, A>G on the plus strand (T>C on the coding strand, the complement: COL1A1 is on the minus strand). VCF-style: chr17-50195279-A-G. GRCh37 (hg19) VCF-style: chr17-48272640-A-G.
Other names: short protein forms S418P.
Identifiers: ClinVar variation 4800893 (VCV004800893.1).